The following is an entry in ClinVar:

NM_000230.3(LEP):c.327C>T (p.His109=)

Gene: LEP (leptin; plus strand). Cytogenetic location: 7q32.1.
Variant type: single nucleotide variant.
Coding change: c.327C>T on transcript NM_000230.3 (MANE Select); coding-DNA position 327, C replaced by T.
Protein change: p.His109=; no amino-acid change (histidine 109 retained).
Molecular consequence: synonymous variant.
Genome position (GRCh38, 1-based): chr7:128,254,586, C>T. VCF-style: chr7-128254586-C-T. GRCh37 (hg19) VCF-style: chr7-127894639-C-T.
Identifiers: ClinVar variation 3351642 (VCV003351642.1).
Genomic context (GRCh38, chr7:128,254,586, plus strand): 5'-GCCTTCCAGAAACGTGATCCAAATATCCAACGACCTGGAGAACCTCCGGGATCTTCTTCA[C>T]GTGCTGGCCTTCTCTAAGAGCTGCCACTTGCCCTGGGCCAGTGGCCTGGAGACCTTGGAC-3'
Protein context (NP_000221.1, residues 99-119): NDLENLRDLL[His109=]VLAFSKSCHL

ClinVar aggregate classification (germline): Likely benign (0 of 4 stars; one submission).

Conditions:
LEP-related disorder. Also called: LEP-related condition.

Submission:

PreventionGenetics, part of Exact Sciences
Classification: Likely benign for LEP-related condition. Last evaluated: 2021-09-15. Review status: no assertion criteria provided. Collection method: clinical testing. Allele origin: germline.
Comment: This variant is classified as likely benign based on ACMG/AMP sequence variant interpretation guidelines (Richards et al. 2015 PMID: 25741868, with internal and published modifications).